The following is an entry in ClinVar:

ClinVar aggregate classification (germline): Uncertain significance (1 of 4 stars; one submission).

Submission:

Labcorp Genetics (formerly Invitae), Labcorp
Classification: Uncertain significance. Last evaluated: 2021-07-05. Review status: criteria provided, single submitter. Criteria: Invitae Variant Classification Sherloc (09022015). Collection method: clinical testing. Allele origin: germline.
Comment: A copy number gain of the genomic region encompassing the full coding sequence of the NKX2-1 gene has been identified. The boundaries of this event are unknown as they extend beyond the assayed region for this gene and therefore may encompass additional genes. As the precise location of this event is unknown, it may be in tandem or it may be located elsewhere in the genome. This variant has not been reported in the literature in individuals affected with NKX2-1-related conditions. In summary, the available evidence is currently insufficient to determine the role of this variant in disease. Therefore, it has been classified as a Variant of Uncertain Significance.

NC_000014.8:g.(?_36986483)_(37228504_?)dup

Genes: NKX2-1 (NK2 homeobox 1; minus strand), NKX2-8 (NK2 homeobox 8; minus strand), PAX9 (paired box 9; plus strand), SLC25A21 (solute carrier family 25 member 21; minus strand). Cytogenetic location: 14q13.3.
Variant type: Duplication.
Identifiers: ClinVar variation 1445235 (VCV001445235.3).